The following is an entry in ClinVar:

ClinVar aggregate classification (germline): Uncertain significance. Review status: criteria provided, multiple submitters, no conflicts (2 of 4 stars). 3 submissions from 3 submitters: Uncertain significance (3). Last evaluated 2025-03-17.

Allele frequency attached by ClinVar (database versions not stated): ExAC 0.00002; gnomAD exomes 0.00002.
gnomAD v4.1: 153 of 1,611,444 alleles (0.0095%); highest among the groups gnomAD compares: Non-Finnish European, 0.013%; no homozygotes.

Submissions (3):

Labcorp Genetics (formerly Invitae), Labcorp
Classification: Uncertain significance. Last evaluated: 2025-03-17. Review status: criteria provided, single submitter. Criteria: Invitae Variant Classification Sherloc (09022015). Collection method: clinical testing. Allele origin: germline.
Comment: This sequence change replaces alanine, which is neutral and non-polar, with valine, which is neutral and non-polar, at codon 6 of the RBP4 protein (p.Ala6Val). This variant is present in population databases (rs774496890, gnomAD 0.003%). This variant has not been reported in the literature in individuals affected with RBP4-related conditions. ClinVar contains an entry for this variant (Variation ID: 195269). An algorithm developed to predict the effect of missense changes on protein structure and function (PolyPhen-2) suggests that this variant is likely to be disruptive. In summary, the available evidence is currently insufficient to determine the role of this variant in disease. Therefore, it has been classified as a Variant of Uncertain Significance.

Blueprint Genetics
Classification: Uncertain significance. Last evaluated: 2019-07-02. Review status: criteria provided, single submitter. Criteria: ACMG Guidelines, 2015. Collection method: clinical testing. Allele origin: germline.

Eurofins Ntd Llc (ga)
Classification: Uncertain significance. Last evaluated: 2015-04-24. Review status: criteria provided, single submitter. Criteria: EGL Classification Definitions 2015. Collection method: clinical testing. Allele origin: germline. Observed: 1 variant allele, 1 heterozygote.

NM_006744.4(RBP4):c.17C>T (p.Ala6Val)

Gene: RBP4 (retinol binding protein 4; minus strand). Cytogenetic location: 10q23.33.
Variant type: single nucleotide variant.
Coding change: c.17C>T on transcript NM_006744.4 (MANE Select); coding-DNA position 17, C replaced by T.
Protein change: p.Ala6Val; replaces alanine 6 with valine.
Molecular consequence: missense variant. On other transcripts: intron variant (1).
Genome position (GRCh38, 1-based): chr10:93,601,012, G>A on the plus strand (C>T on the coding strand, the complement: RBP4 is on the minus strand). VCF-style: chr10-93601012-G-A. GRCh37 (hg19) VCF-style: chr10-95360769-G-A.
Other names: c.17C>T, p.Ala6Val (NM_001323517.1); c.52-41C>T (NM_001323518.2); short protein forms A6V.
Identifiers: ClinVar variation 195269 (VCV000195269.10), dbSNP rs774496890, ClinGen allele CA241617.